The following is an entry in ClinVar:

NM_004646.4(NPHS1):c.3233C>A (p.Ala1078Asp)

Gene: NPHS1 (NPHS1 adhesion molecule, nephrin; minus strand). Cytogenetic location: 19q13.12.
Variant type: single nucleotide variant.
Coding change: c.3233C>A on transcript NM_004646.4 (MANE Select); coding-DNA position 3233, C replaced by A.
Protein change: p.Ala1078Asp; replaces alanine 1078 with aspartic acid.
Molecular consequence: missense variant.
Genome position (GRCh38, 1-based): chr19:35,831,696, G>T on the plus strand (C>A on the coding strand, the complement: NPHS1 is on the minus strand). VCF-style: chr19-35831696-G-T. GRCh37 (hg19) VCF-style: chr19-36322598-G-T.
Other names: short protein forms A1078D.
Identifiers: ClinVar variation 2677302 (VCV002677302.5), dbSNP rs775829291, ClinGen allele CA9389867.
Genomic context (GRCh38, chr19:35,831,696, plus strand): 5'-TCCTCACCCTCAGCAAGACGCCTGAGTCTCCGCTGCCAGAGGACCCCCCCGACACAGGAG[G>T]CATTGGAGAGGAGCAGAAGCCCCCCAAGAGCGAACAGCACAGGCAGCAGGGGCAGCCCCG-3'
Protein context (NP_004637.1, residues 1068-1088): ALGGLLLLSN[Ala1078Asp]SCVGGVLWQR

ClinVar aggregate classification (germline): Conflicting classifications of pathogenicity. Review status: criteria provided, conflicting classifications (1 of 4 stars). 2 submissions from 2 submitters: Likely pathogenic (1); Uncertain significance (1). Last evaluated 2025-06-01.

Conditions:
Finnish congenital nephrotic syndrome (NPHS1). Also called: NEPHROTIC SYNDROME, TYPE 1. Identifiers: Orphanet 839, MedGen C0403399, MONDO:0009732, OMIM 256300.

Allele frequency attached by ClinVar (database versions not stated): TOPMed below 0.00001; ExAC 0.00001; gnomAD exomes 0.00001.
gnomAD v4.1: 3 of 1,605,554 alleles (0.00019%); highest among the groups gnomAD compares: South Asian, 0.0011%; no homozygotes.

Submissions (2):

Natera, Inc.
Classification: Likely pathogenic for Finnish congenital nephrotic syndrome. Last evaluated: 2025-06-01. Review status: criteria provided, single submitter. Criteria: Natera Variant Classification Schema (03/2026). Collection method: clinical testing. Allele origin: germline.
Comment: The c.3233C>A variant in NPHS1 is a missense variant predicted to cause substitution of alanine to aspartic acid at amino acid 1078. This variant is rare in the general population with a frequency below the threshold expected for the associated phenotype(s). This variant has been observed in one or more individuals affected with the associated recessive disease, as either homozygous or compound heterozygous with a second variant (PMID: 35497790, 25720465, 12495287). Given the available evidence, this variant is classified as Likely Pathogenic.

Neuberg Centre For Genomic Medicine, NCGM
Classification: Uncertain significance for Finnish congenital nephrotic syndrome. Review status: criteria provided, single submitter. Criteria: ACMG Guidelines, 2015. Collection method: clinical testing. Allele origin: germline. Inheritance: Autosomal recessive inheritance. Affected: yes.
Comment: The observed missense c.3233C>A(p.Ala1078Asp) variant in NPHS1 gene has been reported previously in homozygous or compound heterozygous state in individual(s) affected with Congenital nephrotic syndrome (CNS) and infantile nephrotic syndrome (INS) (Cil et al., 2015). This variant is reported with the allele frequency of 0.0009% in the gnomAD Exomes. The amino acid Ala at position 1078 is changed to a Asp changing protein sequence and it might alter its composition and physico-chemical properties. The amino acid change p.Ala1078Asp in NPHS1 is predicted as conserved by GERP++ and PhyloP across 100 vertebrates. Computational evidence (Polyphen - Possibly Damaging, SIFT - Tolerated, and MutationTaster - Disease causing) predicts conflicting evidence on protein structure and function for this variant. For these reasons, this variant has been classified as Uncertain Significance.

Literature cited by the submitters: PubMed 35497790 (cited by Natera, Inc.); PubMed 25720465 (cited by Natera, Inc.); PubMed 12495287 (cited by Natera, Inc.).